The following is an entry in ClinVar:

NM_003924.4(PHOX2B):c.643G>C (p.Gly215Arg)

Gene: PHOX2B (paired like homeobox 2B; minus strand). Cytogenetic location: 4p13.
Variant type: single nucleotide variant.
Coding change: c.643G>C on transcript NM_003924.4 (MANE Select); coding-DNA position 643, G replaced by C.
Protein change: p.Gly215Arg; replaces glycine 215 with arginine.
Molecular consequence: missense variant.
Genome position (GRCh38, 1-based): chr4:41,746,109, C>G on the plus strand (G>C on the coding strand, the complement: PHOX2B is on the minus strand). VCF-style: chr4-41746109-C-G. GRCh37 (hg19) VCF-style: chr4-41748126-C-G.
Other names: short protein forms G215R.
Identifiers: ClinVar variation 2563103 (VCV002563103.2), dbSNP rs1243150447, ClinGen allele CA356737534.

ClinVar aggregate classification (germline): Uncertain significance (1 of 4 stars; one submission).

Conditions:
Hereditary cancer-predisposing syndrome. Also called: Neoplastic Syndromes, Hereditary; Hereditary Cancer Syndrome; Hereditary neoplastic syndrome; Tumor predisposition. Identifiers: Orphanet 140162, MedGen C0027672, MeSH D009386, MONDO:0015356.

Submission:

Ambry Genetics
Classification: Uncertain significance for Hereditary cancer-predisposing syndrome. Last evaluated: 2023-03-26. Review status: criteria provided, single submitter. Criteria: Ambry Variant Classification Scheme 2023. Collection method: clinical testing. Allele origin: germline.
Comment: The p.G215R variant (also known as c.643G>C), located in coding exon 3 of the PHOX2B gene, results from a G to C substitution at nucleotide position 643. The glycine at codon 215 is replaced by arginine, an amino acid with dissimilar properties. This amino acid position is conserved. In addition, the in silico prediction for this alteration is inconclusive. Since supporting evidence is limited at this time, the clinical significance of this alteration remains unclear.